The following is an entry in ClinVar:

ClinVar aggregate classification (germline): Uncertain significance. Review status: criteria provided, multiple submitters, no conflicts (2 of 4 stars). 2 submissions from 2 submitters: Uncertain significance (2). Last evaluated 2023-06-28.

Conditions:
Inborn genetic diseases. Identifiers: MedGen C0950123, MeSH D030342.

Submissions (2):

Ambry Genetics
Classification: Uncertain significance for Inborn genetic diseases. Last evaluated: 2023-06-28. Review status: criteria provided, single submitter. Criteria: Ambry Variant Classification Scheme 2023. Collection method: clinical testing. Allele origin: germline.
Comment: The c.2860G>A (p.G954R) alteration is located in exon 31 (coding exon 30) of the COL4A4 gene. This alteration results from a G to A substitution at nucleotide position 2860, causing the glycine (G) at amino acid position 954 to be replaced by an arginine (R). This variant was not reported in population-based cohorts in the Genome Aggregation Database (gnomAD). The nucleotide and amino acid positions are highly conserved in available vertebrate species. The p.G954R amino acid is located within the triple-helical domain of the collagen alpha-4(IV) chain, and affects one of the highly conserved glycine residues in the Gly-X-Y motif that make up this domain (Ramshaw, 1998). This alteration is predicted to be deleterious by in silico analysis and in silico splice site analysis for this alteration is inconclusive. Based on insufficient or conflicting evidence, the clinical significance of this alteration remains unclear.

Labcorp Genetics (formerly Invitae), Labcorp
Classification: Uncertain significance. Last evaluated: 2020-07-22. Review status: criteria provided, single submitter. Criteria: Invitae Variant Classification Sherloc (09022015). Collection method: clinical testing. Allele origin: germline.
Comment: In summary, the available evidence is currently insufficient to determine the role of this variant in disease. Therefore, it has been classified as a Variant of Uncertain Significance. Nucleotide substitutions within the consensus splice site are a relatively common cause of aberrant splicing (PMID: 17576681, 9536098). Algorithms developed to predict the effect of sequence changes on RNA splicing suggest that this variant may disrupt the consensus splice site, but this prediction has not been confirmed by published transcriptional studies. Algorithms developed to predict the effect of missense changes on protein structure and function are either unavailable or do not agree on the potential impact of this missense change (SIFT: "Deleterious"; PolyPhen-2: "Not Available"; Align-GVGD: "Class C15"). This variant has not been reported in the literature in individuals with COL4A4-related conditions. This variant is not present in population databases (ExAC no frequency). This sequence change replaces glycine with arginine at codon 954 of the COL4A4 protein (p.Gly954Arg). The glycine residue is highly conserved and there is a moderate physicochemical difference between glycine and arginine. This variant also falls at the last nucleotide of exon 31 of the COL4A4 coding sequence, which is part of the consensus splice site for this exon.

Literature cited by the submitters: PubMed 9724608 (cited by Ambry Genetics); PubMed 17576681 (cited by Labcorp Genetics (formerly Invitae), Labcorp); PubMed 9536098 (cited by Labcorp Genetics (formerly Invitae), Labcorp).

NM_000092.5(COL4A4):c.2860G>A (p.Gly954Arg)

Gene: COL4A4 (collagen type IV alpha 4 chain; minus strand). Cytogenetic location: 2q36.3.
Variant type: single nucleotide variant.
Coding change: c.2860G>A on transcript NM_000092.5 (MANE Select); coding-DNA position 2860, G replaced by A.
Protein change: p.Gly954Arg; replaces glycine 954 with arginine.
Molecular consequence: missense variant.
Genome position (GRCh38, 1-based): chr2:227,054,594, C>T on the plus strand (G>A on the coding strand, the complement: COL4A4 is on the minus strand). VCF-style: chr2-227054594-C-T. GRCh37 (hg19) VCF-style: chr2-227919310-C-T.
Other names: c.2860G>A (NM_000092.4); short protein forms G954R.
Identifiers: ClinVar variation 1056837 (VCV001056837.10), dbSNP rs2150219187, ClinGen allele CA350839923.